The following is an entry in ClinVar:

NM_000113.3(TOR1A):c.646G>C (p.Asp216His)

Gene: TOR1A (torsin family 1 member A; minus strand). Cytogenetic location: 9q34.11.
Variant type: single nucleotide variant.
Coding change: c.646G>C on transcript NM_000113.3 (MANE Select); coding-DNA position 646, G replaced by C.
Protein change: p.Asp216His; replaces aspartic acid 216 with histidine.
Molecular consequence: missense variant.
Genome position (GRCh38, 1-based): chr9:129,818,622, C>G on the plus strand (G>C on the coding strand, the complement: TOR1A is on the minus strand). VCF-style: chr9-129818622-C-G. GRCh37 (hg19) VCF-style: chr9-132580901-C-G.
Other names: TOR1A, ASP216HIS (rs1801968); short protein forms D216H.
Identifiers: ClinVar variation 5182 (VCV000005182.30), dbSNP rs1801968, ClinGen allele CA117318.

ClinVar aggregate classification (germline): Benign. Review status: criteria provided, multiple submitters, no conflicts (2 of 4 stars). 15 submissions from 15 submitters: Benign (10). 5 of the submissions do not count toward it. Last evaluated 2026-02-04.

Conditions:
Arthrogryposis multiplex congenita 5. Identifiers: MedGen C5436453, MONDO:0100218, OMIM 618947.
Early-onset generalized limb-onset dystonia. Also called: Dystonia-1, torsion; Dystonia 1, modifier of; DYSTONIA MUSCULORUM DEFORMANS 1; Early onset torsion dystonia; DYT-TOR1A; DYT1 Early-Onset Primary Dystonia. Identifiers: Orphanet 256, MedGen C1851945, MONDO:0007492, OMIM 128100.
Dystonic disorder. Also called: Dystonia. Identifiers: MedGen C0013421, MONDO:0003441, HP:0001332.
Dystonia 1, torsion, modifier of.

Allele frequency attached by ClinVar (database versions not stated): TOPMed 0.09693; gnomAD 0.10301 and 0.10445; 1000 Genomes Project 30x 0.08307; 1000 Genomes Project 0.08367; gnomAD exomes 0.13620.
gnomAD v4.1: 214,600 of 1,614,148 alleles (13%); highest among the groups gnomAD compares: South Asian, 15%; 15,266 homozygotes.

Submissions (15):

Labcorp Genetics (formerly Invitae), Labcorp
Classification: Benign for Dystonic disorder. Last evaluated: 2026-02-04. Review status: criteria provided, single submitter. Criteria: Invitae Variant Classification Sherloc (09022015). Collection method: clinical testing. Allele origin: germline.

Blueprint Genetics
Classification: Benign. Last evaluated: 2024-11-27. Review status: criteria provided, single submitter. Criteria: ACMG Guidelines, 2015. Collection method: clinical testing. Allele origin: germline.

Unidad de Genómica Garrahan, Hospital de Pediatría Garrahan
Classification: Benign. Last evaluated: 2024-07-31. Review status: criteria provided, single submitter. Criteria: ACMG Guidelines, 2015. Collection method: clinical testing. Allele origin: germline. Affected: no. Observed: 23 variant alleles.
Comment: This variant is classified as Benign based on local population frequency. This variant was detected in 25% of patients studied in a panel designed for Epileptic and Developmental Encephalopathy, Progressive Myoclonus Epilepsy and Abnormal Movements and Neurodegeneration with brain iron accumulation. Number of patients: 23. Only high quality variants are reported.

Mayo Clinic Laboratories, Mayo Clinic
Classification: Benign. Last evaluated: 2023-01-09. Review status: criteria provided, single submitter. Criteria: ACMG Guidelines, 2015. Collection method: clinical testing. Allele origin: germline. Observed: 170 variant alleles.
Comment: BA1, BP4

Fulgent Genetics
Classification: Benign for Early-onset generalized limb-onset dystonia; Arthrogryposis multiplex congenita 5. Last evaluated: 2021-12-01. Review status: criteria provided, single submitter. Criteria: ACMG Guidelines, 2015. Collection method: clinical testing. Allele origin: unknown.

GeneDx
Classification: Benign. Last evaluated: 2018-08-14. Review status: criteria provided, single submitter. Criteria: GeneDx Variant Classification Process June 2021. Collection method: clinical testing. Allele origin: germline. Affected: yes.
Comment: This variant is associated with the following publications: (PMID: 31583275, 17503336, 26940431, 23405979, 18519876, 19380705, 23460578, 20669276, 16537570)

Illumina Laboratory Services, Illumina
Classification: Benign for Early-onset generalized limb-onset dystonia. Last evaluated: 2018-03-06. Review status: criteria provided, single submitter. Criteria: ICSL Variant Classification Criteria 13 December 2019. Collection method: clinical testing. Allele origin: germline.
Comment: This variant was observed in the ICSL laboratory as part of a predisposition screen in an ostensibly healthy population. It had not been previously curated by ICSL or reported in the Human Gene Mutation Database (HGMD: prior to June 1st, 2018), and was therefore a candidate for classification through an automated scoring system. Utilizing variant allele frequency, disease prevalence and penetrance estimates, and inheritance mode, an automated score was calculated to assess if this variant is too frequent to cause the disease. Based on the score and internal cut-off values, a variant classified as benign is not then subjected to further curation. The score for this variant resulted in a classification of benign for this disease.

Eurofins Ntd Llc (ga)
Classification: Benign. Last evaluated: 2015-05-21. Review status: criteria provided, single submitter. Criteria: EGL Classification Definitions 2015. Collection method: clinical testing. Allele origin: germline. Observed: 1 variant allele, 1 heterozygote.

Breakthrough Genomics
Classification: Benign. Review status: criteria provided, single submitter. Criteria: ACMG Guidelines, 2015. Collection method: not provided. Allele origin: germline. Inheritance: Autosomal recessive inheritance. Affected: yes.

PreventionGenetics, part of Exact Sciences
Classification: Benign. Review status: criteria provided, single submitter. Criteria: ACMG Guidelines, 2015. Collection method: clinical testing. Allele origin: germline.

OMIM
Classification: risk factor for DYSTONIA 1, TORSION, MODIFIER OF. Last evaluated: 2010-09-15. Review status: no assertion criteria provided. Collection method: literature only. Allele origin: germline. Not counted in ClinVar's aggregate classification.

Clinical Genetics, Academic Medical Center
Classification: Benign. Review status: no assertion criteria provided. Collection method: clinical testing. Allele origin: germline. Affected: yes. Study: VKGL Data-share Consensus. Not counted in ClinVar's aggregate classification.

Diagnostic Laboratory, Department of Genetics, University Medical Center Groningen
Classification: Likely benign for Early-onset generalized limb-onset dystonia. Review status: no assertion criteria provided. Collection method: clinical testing. Allele origin: germline. Affected: yes. Study: VKGL Data-share Consensus. Not counted in ClinVar's aggregate classification.

GeneReviews
No classification provided. Condition: Early-onset generalized limb-onset dystonia. Review status: no classification provided. Collection method: literature only. Allele origin: germline. Affected: yes. Not counted in ClinVar's aggregate classification.

Joint Genome Diagnostic Labs from Nijmegen and Maastricht, Radboudumc and MUMC+
Classification: Benign. Review status: no assertion criteria provided. Collection method: clinical testing. Allele origin: germline. Affected: yes. Study: VKGL Data-share Consensus. Not counted in ClinVar's aggregate classification.

Literature cited by the submitters: PubMed 16537570 (cited by Mayo Clinic Laboratories, Mayo Clinic); PubMed 17503336 (cited by 3 submitters); PubMed 18519876 (cited by Mayo Clinic Laboratories, Mayo Clinic and OMIM); PubMed 19380705 (cited by Mayo Clinic Laboratories, Mayo Clinic); PubMed 23405979 (cited by Mayo Clinic Laboratories, Mayo Clinic); PubMed 23460578 (cited by Mayo Clinic Laboratories, Mayo Clinic); PubMed 31583275 (cited by Mayo Clinic Laboratories, Mayo Clinic); PubMed 9288096 (cited by OMIM); PubMed 11523564 (cited by OMIM); PubMed 20584926 (cited by OMIM); NCBI Bookshelf NBK1492 (cited by GeneReviews).